The following is an entry in ClinVar:

ClinVar aggregate classification (germline): Pathogenic/Likely pathogenic. Review status: criteria provided, multiple submitters, no conflicts (2 of 4 stars). 3 submissions from 3 submitters: Pathogenic (1); Likely pathogenic (1). 1 of the submissions does not count toward it. Last evaluated 2024-02-10.

Conditions:
Argininosuccinate lyase deficiency. Also called: ARGININOSUCCINIC ACID LYASE DEFICIENCY; ASL DEFICIENCY; Argininosuccinic aciduria. Identifiers: Orphanet 23, MedGen C0268547, MONDO:0008815, OMIM 207900, HP:0025630.

Allele frequency attached by ClinVar (database versions not stated): gnomAD exomes below 0.00001.
gnomAD v4.1: 1 of 1,613,840 alleles (0.000062%); highest among the groups gnomAD compares: Non-Finnish European, 0.000085%; no homozygotes.

Submissions (3):

Labcorp Genetics (formerly Invitae), Labcorp
Classification: Pathogenic for Argininosuccinate lyase deficiency. Last evaluated: 2024-02-10. Review status: criteria provided, single submitter. Criteria: Invitae Variant Classification Sherloc (09022015). Collection method: clinical testing. Allele origin: germline.
Comment: This sequence change replaces serine, which is neutral and polar, with arginine, which is basic and polar, at codon 433 of the ASL protein (p.Ser433Arg). This variant is not present in population databases (gnomAD no frequency). This missense change has been observed in individual(s) with argininosuccinate lyase deficiency (PMID: 24166829, 30285816). ClinVar contains an entry for this variant (Variation ID: 203621). Advanced modeling of protein sequence and biophysical properties (such as structural, functional, and spatial information, amino acid conservation, physicochemical variation, residue mobility, and thermodynamic stability) performed at Invitae indicates that this missense variant is expected to disrupt ASL protein function with a positive predictive value of 95%. For these reasons, this variant has been classified as Pathogenic.

Baylor Genetics
Classification: Likely pathogenic for Argininosuccinate lyase deficiency. Last evaluated: 2023-04-13. Review status: criteria provided, single submitter. Criteria: ACMG Guidelines, 2015. Collection method: clinical testing. Allele origin: unknown.

Counsyl
Classification: Uncertain significance for Argininosuccinate lyase deficiency. Last evaluated: 2017-10-13. Review status: no assertion criteria provided. Collection method: clinical testing. Allele origin: unknown. Not counted in ClinVar's aggregate classification.

Literature cited by the submitters: PubMed 24166829 (cited by Labcorp Genetics (formerly Invitae), Labcorp and Counsyl); PubMed 30285816 (cited by Labcorp Genetics (formerly Invitae), Labcorp).

NM_000048.4(ASL):c.1297A>C (p.Ser433Arg)

Gene: ASL (argininosuccinate lyase; plus strand). Cytogenetic location: 7q11.21.
Variant type: single nucleotide variant.
Coding change: c.1297A>C on transcript NM_000048.4 (MANE Select); coding-DNA position 1297, A replaced by C.
Protein change: p.Ser433Arg; replaces serine 433 with arginine.
Molecular consequence: missense variant.
Genome position (GRCh38, 1-based): chr7:66,092,814, A>C. VCF-style: chr7-66092814-A-C. GRCh37 (hg19) VCF-style: chr7-65557801-A-C.
Other names: c.1297A>C, p.Ser433Arg (NM_001024943.2); c.1237A>C, p.Ser413Arg (NM_001024944.2); c.1219A>C, p.Ser407Arg (NM_001024946.2); short protein forms S433R, S407R, S413R.
Identifiers: ClinVar variation 203621 (VCV000203621.10), dbSNP rs1554328459, ClinGen allele CA312337.